The following is an entry in ClinVar:

ClinVar aggregate classification (germline): Uncertain significance (1 of 4 stars; one submission).

Submission:

Athena Diagnostics
Classification: Uncertain significance. Last evaluated: 2024-10-25. Review status: criteria provided, single submitter. Criteria: Athena Diagnostics Criteria. Collection method: clinical testing. Allele origin: unknown.
Comment: Available data are insufficient to determine the clinical significance of the variant at this time. This variant has not been reported in large, multi-ethnic general populations. Polyphen and MutationTaster yielded discordant predictions regarding whether this amino acid change is damaging to the protein.

NM_001244008.2(KIF1A):c.2102A>T (p.Glu701Val)

Gene: KIF1A (kinesin family member 1A; minus strand). Cytogenetic location: 2q37.3.
Variant type: single nucleotide variant.
Coding change: c.2102A>T on transcript NM_001244008.2 (MANE Select); coding-DNA position 2102, A replaced by T.
Protein change: p.Glu701Val; replaces glutamic acid 701 with valine.
Molecular consequence: missense variant.
Genome position (GRCh38, 1-based): chr2:240,762,733, T>A on the plus strand (A>T on the coding strand, the complement: KIF1A is on the minus strand). VCF-style: chr2-240762733-T-A. GRCh37 (hg19) VCF-style: chr2-241702150-T-A.
Other names: c.2102A>T, p.Glu701Val (NM_001320705.2, NM_001330289.2, NM_001379638.1); c.2177A>T, p.Glu726Val (NM_001330290.2, NM_001379631.1, NM_001379634.1 and 2 more transcripts); c.2075A>T, p.Glu692Val (NM_001379632.1, NM_001379633.1, NM_001379636.1 and 10 more transcripts); c.2150A>T, p.Glu717Val (NM_001379637.1, NM_001379648.1); short protein forms E701V, E717V, E692V, E726V.
Identifiers: ClinVar variation 3571688 (VCV003571688.1).